The following is an entry in ClinVar:

NM_001854.4(COL11A1):c.2651C>G (p.Pro884Arg)

Gene: COL11A1 (collagen type XI alpha 1 chain; minus strand). Cytogenetic location: 1p21.1.
Variant type: single nucleotide variant.
Coding change: c.2651C>G on transcript NM_001854.4 (MANE Select); coding-DNA position 2651, C replaced by G.
Protein change: p.Pro884Arg; replaces proline 884 with arginine.
Molecular consequence: missense variant. On other transcripts: non-coding transcript variant (1).
Genome position (GRCh38, 1-based): chr1:102,979,064, G>C on the plus strand (C>G on the coding strand, the complement: COL11A1 is on the minus strand). VCF-style: chr1-102979064-G-C. GRCh37 (hg19) VCF-style: chr1-103444620-G-C.
Other names: c.2534C>G, p.Pro845Arg (NM_001190709.2); c.2687C>G, p.Pro896Arg (NM_080629.3); c.2303C>G, p.Pro768Arg (NM_080630.4); short protein forms P896R, P768R, P845R, P884R.
Identifiers: ClinVar variation 4995532 (VCV004995532.1).
Genomic context (GRCh38, chr1:102,979,064, plus strand): 5'-TTGATACACTAAATTCAATATGAAAAATGTACATCATTTTAAATCAAGGCACCTACCGTT[G>C]GACCACGCTGACCCCGAGGGCCTGGTTTGCCAGCTACTCCCTAGCAAAGACAGTTCAATT-3'
Protein context (NP_001845.3, residues 874-894): GKPGPRGQRG[Pro884Arg]TGPRGSRGAR

ClinVar aggregate classification (germline): Uncertain significance (1 of 4 stars; one submission).

Conditions:
COL11A1-related disorder. Also called: COL11A1-related disorders; COL11A1-related condition.

Submission:

PreventionGenetics, part of Exact Sciences
Classification: Uncertain significance for COL11A1-related condition. Last evaluated: 2025-09-26. Review status: criteria provided, single submitter. Criteria: ACMG Guidelines, 2015. Collection method: clinical testing. Allele origin: germline.
Comment: The COL11A1 c.2651C>G variant is predicted to result in the amino acid substitution p.Pro884Arg. To our knowledge, this variant has not been reported in the literature or in a large population database (gnomAD), indicating this variant is rare. At this time, the clinical significance of this variant is uncertain due to the absence of conclusive functional and genetic evidence.